The following is an entry in ClinVar:

ClinVar aggregate classification (germline): Uncertain significance (1 of 4 stars; one submission).

Conditions:
Wilms tumor 1 (WT1). Also called: Wilms tumor, somatic. Identifiers: Orphanet 654, MedGen CN033288, MONDO:0008679, OMIM 194070.

Submission:

Labcorp Genetics (formerly Invitae), Labcorp
Classification: Uncertain significance for Wilms tumor 1. Last evaluated: 2022-01-18. Review status: criteria provided, single submitter. Criteria: Invitae Variant Classification Sherloc (09022015). Collection method: clinical testing. Allele origin: germline.
Comment: This variant has not been reported in the literature in individuals affected with GPC3-related conditions. In summary, the available evidence is currently insufficient to determine the role of this variant in disease. Therefore, it has been classified as a Variant of Uncertain Significance. Algorithms developed to predict the effect of missense changes on protein structure and function (SIFT, PolyPhen-2, Align-GVGD) all suggest that this variant is likely to be tolerated. This variant is not present in population databases (gnomAD no frequency). This sequence change replaces arginine, which is basic and polar, with glycine, which is neutral and non-polar, at codon 6 of the GPC3 protein (p.Arg6Gly).

NM_004484.4(GPC3):c.16C>G (p.Arg6Gly)

Gene: GPC3 (glypican 3; minus strand). Cytogenetic location: Xq26.2.
Variant type: single nucleotide variant.
Coding change: c.16C>G on transcript NM_004484.4 (MANE Select); coding-DNA position 16, C replaced by G.
Protein change: p.Arg6Gly; replaces arginine 6 with glycine.
Molecular consequence: missense variant.
Genome position (GRCh38, 1-based): chrX:133,985,434, G>C on the plus strand (C>G on the coding strand, the complement: GPC3 is on the minus strand). VCF-style: chrX-133985434-G-C. GRCh37 (hg19) VCF-style: chrX-133119461-G-C.
Other names: c.16C>G, p.Arg6Gly (NM_001164617.2, NM_001164618.2, NM_001164619.2); short protein forms R6G.
Identifiers: ClinVar variation 2087484 (VCV002087484.4), dbSNP rs1268383977, ClinGen allele CA414707215.